The following is an entry in ClinVar:

ClinVar aggregate classification (germline): Uncertain significance (1 of 4 stars; one submission).

Submission:

GeneDx
Classification: Uncertain significance. Last evaluated: 2023-03-28. Review status: criteria provided, single submitter. Criteria: GeneDx Variant Classification Process June 2021. Collection method: clinical testing. Allele origin: germline. Affected: yes.
Comment: Not observed at significant frequency in large population cohorts (gnomAD); In silico analysis supports that this missense variant does not alter protein structure/function; Has not been previously published as pathogenic or benign to our knowledge

NM_015057.5(MYCBP2):c.9364T>C (p.Ser3122Pro)

Gene: MYCBP2 (MYC binding protein 2; minus strand). Cytogenetic location: 13q22.3.
Variant type: single nucleotide variant.
Coding change: c.9364T>C on transcript NM_015057.5 (MANE Select); coding-DNA position 9364, T replaced by C.
Protein change: p.Ser3122Pro; replaces serine 3122 with proline.
Molecular consequence: missense variant.
Genome position (GRCh38, 1-based): chr13:77,097,790, A>G on the plus strand (T>C on the coding strand, the complement: MYCBP2 is on the minus strand). VCF-style: chr13-77097790-A-G. GRCh37 (hg19) VCF-style: chr13-77671925-A-G.
Other names: short protein forms S3122P.
Identifiers: ClinVar variation 2581912 (VCV002581912.1), dbSNP rs2503549682, ClinGen allele CA388388711.